The following is an entry in ClinVar:

NM_001164508.2(NEB):c.1624G>T (p.Asp542Tyr)

Gene: NEB (nebulin; minus strand). Cytogenetic location: 2q23.3.
Variant type: single nucleotide variant.
Coding change: c.1624G>T on transcript NM_001164508.2 (MANE Select); coding-DNA position 1624, G replaced by T.
Protein change: p.Asp542Tyr; replaces aspartic acid 542 with tyrosine.
Molecular consequence: missense variant.
Genome position (GRCh38, 1-based): chr2:151,695,628, C>A on the plus strand (G>T on the coding strand, the complement: NEB is on the minus strand). VCF-style: chr2-151695628-C-A. GRCh37 (hg19) VCF-style: chr2-152552142-C-A.
Other names: c.1624G>T, p.Asp542Tyr (NM_001164507.2, NM_001271208.2, NM_004543.5); short protein forms D542Y.
Identifiers: ClinVar variation 2148749 (VCV002148749.4), dbSNP rs1158832304, ClinGen allele CA348824921.
Genomic context (GRCh38, chr2:151,695,628, plus strand): 5'-AGGAACTTACATCACTCAAGTTATAGGCATTGACTTTGTGCTGGATAAAAGCAGGAGTAT[C>A]AGGGGGGATATGGCACTTGAACTTTTCACTTTCATGTTTTGCTTTGTAATTTAACTATGA-3'
Protein context (NP_001157980.2, residues 532-552): SEKFKCHIPP[Asp542Tyr]TPAFIQHKVN

ClinVar aggregate classification (germline): Uncertain significance (1 of 4 stars; one submission).

Conditions:
Nemaline myopathy 2 (NEM2). Also called: Nemaline myopathy 2, autosomal recessive. Identifiers: MedGen C1850569, MONDO:0009725, OMIM 256030.

Allele frequency attached by ClinVar (database versions not stated): TOPMed below 0.00001.

Submission:

Labcorp Genetics (formerly Invitae), Labcorp
Classification: Uncertain significance for Nemaline myopathy 2. Last evaluated: 2022-01-19. Review status: criteria provided, single submitter. Criteria: Invitae Variant Classification Sherloc (09022015). Collection method: clinical testing. Allele origin: germline.
Comment: This variant is not present in population databases (gnomAD no frequency). In summary, the available evidence is currently insufficient to determine the role of this variant in disease. Therefore, it has been classified as a Variant of Uncertain Significance. Algorithms developed to predict the effect of missense changes on protein structure and function are either unavailable or do not agree on the potential impact of this missense change (SIFT: "Deleterious"; PolyPhen-2: "Not Available"; Align-GVGD: "Class C0"). This variant has not been reported in the literature in individuals affected with NEB-related conditions. This sequence change replaces aspartic acid, which is acidic and polar, with tyrosine, which is neutral and polar, at codon 542 of the NEB protein (p.Asp542Tyr).